The following is an entry in ClinVar:

NM_006846.4(SPINK5):c.2667-13delinsTT

Gene: SPINK5 (serine peptidase inhibitor Kazal type 5; plus strand). Cytogenetic location: 5q32.
Variant type: Indel.
Coding change: c.2667-13delinsTT on transcript NM_006846.4 (MANE Select); 13 bases into the intron before coding-DNA position 2667, A replaced by TT.
Molecular consequence: intron variant.
Genome position (GRCh38, 1-based): chr5:148,124,752, A replaced by TT. VCF-style: chr5-148124752-A-TT. GRCh37 (hg19) VCF-style: chr5-147504315-A-TT.
Other names: c.2667-13delinsTT (NM_001127698.2, NM_001127699.2).
Identifiers: ClinVar variation 1280438 (VCV001280438.4), dbSNP rs1554106953, ClinGen allele CA128940516.
Genomic context (GRCh38, chr5:148,124,752, plus strand): 5'-AATACTTGGTTAAAGACAATTCAGTAACAACCCTTGAAAAATTACCCTATCTTTTTTTTT[A>TT]ATTATTCTGCAGTGATCGAGAAGCTAATGAAAGAAAAAAGAAAGATGAAGAGAAATCAAG-3'

ClinVar aggregate classification (germline): Benign/Likely benign. Review status: criteria provided, multiple submitters, no conflicts (2 of 4 stars). 3 submissions from 3 submitters: Benign (2); Likely benign (1). Last evaluated 2026-01-08.

Submissions (3):

Women's Health and Genetics/Laboratory Corporation of America, LabCorp
Classification: Likely benign. Last evaluated: 2026-01-08. Review status: criteria provided, single submitter. Criteria: LabCorp Variant Classification Summary - May 2015. Collection method: clinical testing. Allele origin: germline.
Comment: Variant summary: SPINK5 c.2667-13delinsTT alters a nucleotide located at a position not widely known to affect splicing. Consensus agreement among computation tools predict no significant impact on normal splicing. However, these predictions have yet to be confirmed by functional studies. The frequency of this variant in the general population could not be determined as the quality data at this site was ambiguous (gnomAD). The available data on variant occurrences in the general population are insufficient to allow any conclusion about variant significance. To our knowledge, no occurrence of c.2667-13delinsTT in individuals affected with SPINK5-related conditions and no experimental evidence demonstrating its impact on protein function have been reported. ClinVar contains an entry for this variant (Variation ID: 1280438). Based on the evidence outlined above, the variant was classified as likely benign.

Unidad de Genómica Garrahan, Hospital de Pediatría Garrahan
Classification: Benign. Last evaluated: 2024-01-24. Review status: criteria provided, single submitter. Criteria: ACMG Guidelines, 2015. Collection method: clinical testing. Allele origin: germline. Affected: no. Observed: 77 variant alleles.
Comment: This variant is classified as Benign based on local population frequency. This variant was detected in 88% of patients studied by a panel of primary immunodeficiencies. Number of patients: 77. Only high quality variants are reported.

GeneDx
Classification: Benign. Last evaluated: 2015-03-03. Review status: criteria provided, single submitter. Criteria: GeneDx Variant Classification Process June 2021. Collection method: clinical testing. Allele origin: germline. Affected: yes.